The following is an entry in ClinVar:

NM_000081.4(LYST):c.10444G>A (p.Val3482Met)

Gene: LYST (lysosomal trafficking regulator; minus strand). Cytogenetic location: 1q42.3.
Variant type: single nucleotide variant.
Coding change: c.10444G>A on transcript NM_000081.4 (MANE Select); coding-DNA position 10444, G replaced by A.
Protein change: p.Val3482Met; replaces valine 3482 with methionine.
Molecular consequence: missense variant.
Genome position (GRCh38, 1-based): chr1:235,697,203, C>T on the plus strand (G>A on the coding strand, the complement: LYST is on the minus strand). VCF-style: chr1-235697203-C-T. GRCh37 (hg19) VCF-style: chr1-235860503-C-T.
Other names: c.10444G>A, p.Val3482Met (NM_001301365.1); short protein forms V3482M.
Identifiers: ClinVar variation 525151 (VCV000525151.4), dbSNP rs759720507, ClinGen allele CA1465365.

ClinVar aggregate classification (germline): Uncertain significance. Review status: criteria provided, multiple submitters, no conflicts (2 of 4 stars). 2 submissions from 2 submitters: Uncertain significance (2). Last evaluated 2023-05-10.

Conditions:
Chédiak-Higashi syndrome (CHS). Also called: Chediak-Higashi Syndrome. Identifiers: Orphanet 167, MedGen C0007965, MONDO:0008963, OMIM 214500.

Allele frequency attached by ClinVar (database versions not stated): ExAC 0.00002; gnomAD 0.00002; gnomAD exomes 0.00003; TOPMed 0.00003.

Submissions (2):

Blueprint Genetics
Classification: Uncertain significance. Last evaluated: 2023-05-10. Review status: criteria provided, single submitter. Criteria: ACMG Guidelines, 2015. Collection method: clinical testing. Allele origin: germline.

Labcorp Genetics (formerly Invitae), Labcorp
Classification: Uncertain significance for Chédiak-Higashi syndrome. Last evaluated: 2022-07-05. Review status: criteria provided, single submitter. Criteria: Invitae Variant Classification Sherloc (09022015). Collection method: clinical testing. Allele origin: germline.
Comment: This sequence change replaces valine, which is neutral and non-polar, with methionine, which is neutral and non-polar, at codon 3482 of the LYST protein (p.Val3482Met). This variant is present in population databases (rs759720507, gnomAD 0.003%). This variant has not been reported in the literature in individuals affected with LYST-related conditions. ClinVar contains an entry for this variant (Variation ID: 525151). Algorithms developed to predict the effect of missense changes on protein structure and function are either unavailable or do not agree on the potential impact of this missense change (SIFT: "Deleterious"; PolyPhen-2: "Possibly Damaging"; Align-GVGD: "Class C0"). In summary, the available evidence is currently insufficient to determine the role of this variant in disease. Therefore, it has been classified as a Variant of Uncertain Significance.